The following is an entry in ClinVar:

NM_003482.4(KMT2D):c.6317T>C (p.Ile2106Thr)

Gene: KMT2D (lysine methyltransferase 2D; minus strand). Cytogenetic location: 12q13.12.
Variant type: single nucleotide variant.
Coding change: c.6317T>C on transcript NM_003482.4 (MANE Select); coding-DNA position 6317, T replaced by C.
Protein change: p.Ile2106Thr; replaces isoleucine 2106 with threonine.
Molecular consequence: missense variant.
Genome position (GRCh38, 1-based): chr12:49,041,453, A>G on the plus strand (T>C on the coding strand, the complement: KMT2D is on the minus strand). VCF-style: chr12-49041453-A-G. GRCh37 (hg19) VCF-style: chr12-49435236-A-G.
Other names: short protein forms I2106T.
Identifiers: ClinVar variation 134698 (VCV000134698.8), dbSNP rs587778467, ClinGen allele CA160563.

ClinVar aggregate classification (germline): Likely benign. Review status: criteria provided, single submitter (1 of 4 stars). 2 submissions from 2 submitters: Likely benign (1). 1 of the submissions does not count toward it. Last evaluated 2023-12-11.

Conditions:
Kabuki syndrome. Also called: NIIKAWA-KUROKI SYNDROME; Kabuki make-up syndrome. Identifiers: Orphanet 2322, MedGen C0796004, MONDO:0016512.

Allele frequency attached by ClinVar (database versions not stated): gnomAD 0.00001; TOPMed 0.00001; gnomAD exomes below 0.00001.

Submissions (2):

Labcorp Genetics (formerly Invitae), Labcorp
Classification: Likely benign for Kabuki syndrome. Last evaluated: 2023-12-11. Review status: criteria provided, single submitter. Criteria: Invitae Variant Classification Sherloc (09022015). Collection method: clinical testing. Allele origin: germline.

ITMI
No classification provided. Condition: AllHighlyPenetrant. Last evaluated: 2013-09-19. Review status: no classification provided. Collection method: reference population. Allele origin: germline. Not counted in ClinVar's aggregate classification.
Comment: Please see associated publication for description of ethnicities

Literature cited by the submitters: PubMed 24728327 (cited by ITMI).